The following is an entry in ClinVar:

ClinVar aggregate classification (germline): Pathogenic (1 of 4 stars; one submission).

Conditions:
Osteogenesis imperfecta type I (OI1). Also called: OI, TYPE I; OSTEOGENESIS IMPERFECTA TARDA; OSTEOGENESIS IMPERFECTA WITH BLUE SCLERAE; Osteogenesis imperfecta type 1; Lobstein's Disease; Lobstein disease. Identifiers: Orphanet 216796, Orphanet 666, MedGen C0023931, MONDO:0008146, OMIM 166200. Disease mechanism: loss of function.
Osteogenesis imperfecta (OI). Identifiers: Orphanet 666, MedGen C0029434, MeSH D010013, MONDO:0019019.
Infantile cortical hyperostosis. Also called: Caffey Disease; P1PK BLOOD GROUP SYSTEM, P(2) PHENOTYPE; Hyperostosis, Cortical, Congenital. Identifiers: Orphanet 1310, MedGen C0020497, MONDO:0007244, OMIM 114000.
Ehlers-Danlos syndrome, arthrochalasia type, 2. Also called: EHLERS-DANLOS SYNDROME, TYPE VIIB, AUTOSOMAL DOMINANT. Identifiers: MedGen CN293783, MONDO:0040501, OMIM 617821.
Ehlers-Danlos syndrome, arthrochalasia type. Also called: EDS VII, MUTANT PROCOLLAGEN TYPE; EDS VIIA; ARTHROCHALASIS MULTIPLEX CONGENITA; Ehlers-Danlos syndrome, arthrochalasis type; Ehlers-Danlos syndrome, arthrochalasia type, 1. Identifiers: Orphanet 1899, Orphanet 99875, Orphanet 99876, MedGen C4551623, MONDO:0007525, OMIM 130060.

Submission:

Labcorp Genetics (formerly Invitae), Labcorp
Classification: Pathogenic for Osteogenesis imperfecta type I. Last evaluated: 2024-04-25. Review status: criteria provided, single submitter. Criteria: Invitae Variant Classification Sherloc (09022015). Collection method: clinical testing. Allele origin: germline.
Comment: This sequence change creates a premature translational stop signal (p.Gln1364*) in the COL1A1 gene. It is expected to result in an absent or disrupted protein product. Loss-of-function variants in COL1A1 are known to be pathogenic (PMID: 7942841, 9295084, 9443882). This variant is not present in population databases (gnomAD no frequency). This variant has not been reported in the literature in individuals affected with COL1A1-related conditions. ClinVar contains an entry for this variant (Variation ID: 456785). For these reasons, this variant has been classified as Pathogenic.

Literature cited by the submitters: PubMed 7942841 (cited by Labcorp Genetics (formerly Invitae), Labcorp); PubMed 9295084 (cited by Labcorp Genetics (formerly Invitae), Labcorp); PubMed 9443882 (cited by Labcorp Genetics (formerly Invitae), Labcorp).

NM_000088.4(COL1A1):c.4090C>T (p.Gln1364Ter)

Gene: COL1A1 (collagen type I alpha 1 chain; minus strand). Cytogenetic location: 17q21.33.
Variant type: single nucleotide variant.
Coding change: c.4090C>T on transcript NM_000088.4 (MANE Select); coding-DNA position 4090, C replaced by T.
Protein change: p.Gln1364Ter; replaces glutamine 1364 with a stop codon.
Molecular consequence: nonsense.
Genome position (GRCh38, 1-based): chr17:50,185,936, G>A on the plus strand (C>T on the coding strand, the complement: COL1A1 is on the minus strand). VCF-style: chr17-50185936-G-A. GRCh37 (hg19) VCF-style: chr17-48263297-G-A.
Other names: short protein forms Q1364*.
Identifiers: ClinVar variation 456785 (VCV000456785.8), dbSNP rs1555571647, ClinGen allele CA400192334.